The following is an entry in ClinVar:

NM_001393769.1(MED12L):c.5440T>C (p.Ser1814Pro)

Gene: MED12L (mediator complex subunit 12L; plus strand). Cytogenetic location: 3q25.1.
Variant type: single nucleotide variant.
Coding change: c.5440T>C on transcript NM_001393769.1 (MANE Select); coding-DNA position 5440, T replaced by C.
Protein change: p.Ser1814Pro; replaces serine 1814 with proline.
Molecular consequence: missense variant.
Genome position (GRCh38, 1-based): chr3:151,388,161, T>C. VCF-style: chr3-151388161-T-C. GRCh37 (hg19) VCF-style: chr3-151105949-T-C.
Other names: c.5335T>C, p.Ser1779Pro (NM_053002.6); short protein forms S1779P, S1814P.
Identifiers: ClinVar variation 2654236 (VCV002654236.24), dbSNP rs140793301, ClinGen allele CA2668765.

ClinVar aggregate classification (germline): Likely benign (1 of 4 stars; one submission).

Allele frequency attached by ClinVar (database versions not stated): 1000 Genomes Project 0.00040; 1000 Genomes Project 30x 0.00047; TOPMed 0.00099; gnomAD exomes 0.00130; ExAC 0.00145; ESP Exome Variant Server 0.00177.
gnomAD v4.1: 2,057 of 1,598,850 alleles (0.13%); highest among the groups gnomAD compares: Non-Finnish European, 0.15%; 2 homozygotes.

Submission:

CeGaT Center for Human Genetics Tuebingen
Classification: Likely benign. Last evaluated: 2026-08-01. Review status: criteria provided, single submitter. Criteria: CeGaT Center For Human Genetics Tuebingen Variant Classification Criteria Version 2. Collection method: clinical testing. Allele origin: germline. Affected: yes. Observed: 2 variant alleles.
Comment: MED12L: BP4, BS1